The following is an entry in ClinVar:

ClinVar aggregate classification (germline): Uncertain significance (1 of 4 stars; one submission).

Conditions:
Hereditary spastic paraplegia 15 (SPG15). Also called: SPASTIC PARAPLEGIA AND RETINAL DEGENERATION; SPASTIC PARAPLEGIA 15, AUTOSOMAL RECESSIVE; KJELLIN SYNDROME. Identifiers: Orphanet 100996, MedGen C1849128, MONDO:0010044, OMIM 270700.

Submission:

Myriad Genetics, Inc.
Classification: Uncertain significance for Hereditary spastic paraplegia 15. Last evaluated: 2026-06-27. Review status: criteria provided, single submitter. Criteria: Myriad Autosomal Dominant, Autosomal Recessive and X-Linked Classification Criteria (2023). Collection method: clinical testing. Allele origin: unknown.
Comment: NM_015346.3(ZFYVE26):c.3755_3757delGTCinsATT(R1252H) is a missense variant classified as a variant of uncertain significance in the context of spastic paraplegia type 15. R1252H has not been observed in cases with relevant disease. Relevant functional assessments of this variant are not available in the literature. R1252H has not been observed in referenced population frequency databases. In summary, there is insufficient evidence to classify NM_015346.3(ZFYVE26):c.3755_3757delGTCinsATT(R1252H) as pathogenic or benign. Please note: this variant was assessed in the context of healthy population screening.

NM_015346.4(ZFYVE26):c.3755_3757delinsATT (p.Arg1252His)

Gene: ZFYVE26 (zinc finger FYVE-type containing 26; minus strand). Cytogenetic location: 14q24.1.
Variant type: Indel.
Coding change: c.3755_3757delinsATT on transcript NM_015346.4 (MANE Select); coding-DNA positions 3755 to 3757, GTC replaced by ATT.
Protein change: p.Arg1252His; replaces arginine 1252 with histidine.
Molecular consequence: missense variant.
Genome position (GRCh38, 1-based): chr14:67,783,395-67,783,397, GAC replaced by AAT on the plus strand (GTC replaced by ATT on the coding strand, the reverse complement: ZFYVE26 is on the minus strand). VCF-style: chr14-67783395-GAC-AAT. GRCh37 (hg19) VCF-style: chr14-68250112-GAC-AAT.
Other names: short protein forms R1252H.
Identifiers: ClinVar variation 5003475 (VCV005003475.1).